The following is an entry in ClinVar:

ClinVar aggregate classification (germline): Likely pathogenic. Review status: criteria provided, multiple submitters, no conflicts (2 of 4 stars). 2 submissions from 2 submitters: Likely pathogenic (2). Last evaluated 2023-07-17.

Conditions:
Hereditary spastic paraplegia 54. Also called: Spastic paraplegia 54, autosomal recessive. Identifiers: Orphanet 320380, MedGen C3539495, MONDO:0014018, OMIM 615033.

Submissions (2):

Labcorp Genetics (formerly Invitae), Labcorp
Classification: Likely pathogenic for Hereditary spastic paraplegia 54. Last evaluated: 2023-07-17. Review status: criteria provided, single submitter. Criteria: Invitae Variant Classification Sherloc (09022015). Collection method: clinical testing. Allele origin: germline.
Comment: In summary, the currently available evidence indicates that the variant is pathogenic, but additional data are needed to prove that conclusively. Therefore, this variant has been classified as Likely Pathogenic. Algorithms developed to predict the effect of sequence changes on RNA splicing suggest that this variant may disrupt the consensus splice site. ClinVar contains an entry for this variant (Variation ID: 1696332). This variant has not been reported in the literature in individuals affected with DDHD2-related conditions. This variant is not present in population databases (gnomAD no frequency). This sequence change affects an acceptor splice site in intron 9 of the DDHD2 gene. It is expected to disrupt RNA splicing. Variants that disrupt the donor or acceptor splice site typically lead to a loss of protein function (PMID: 16199547), and loss-of-function variants in DDHD2 are known to be pathogenic (PMID: 23176823, 23486545).

Women's Health and Genetics/Laboratory Corporation of America, LabCorp
Classification: Likely pathogenic for Hereditary spastic paraplegia 54. Last evaluated: 2022-05-16. Review status: criteria provided, single submitter. Criteria: LabCorp Variant Classification Summary - May 2015. Collection method: clinical testing. Allele origin: germline.
Comment: Variant summary: DDHD2 c.1126-2A>G is located in a canonical splice-site and is predicted to affect mRNA splicing resulting in a significantly altered protein due to either exon skipping, shortening, or inclusion of intronic material. Several computational tools predict a significant impact on normal splicing: Four predict the variant abolishes the canonical 3' splice acceptor site. However, these predictions have yet to be confirmed by functional studies. The variant was absent in 186800 control chromosomes. To our knowledge, no occurrence of c.1126-2A>G in individuals affected with Hereditary Spastic Paraplegia 54 and no experimental evidence demonstrating its impact on protein function have been reported. No clinical diagnostic laboratories have submitted clinical-significance assessments for this variant to ClinVar after 2014. Based on the evidence outlined above, the variant was classified as likely pathogenic.

Literature cited by the submitters: PubMed 16199547 (cited by Labcorp Genetics (formerly Invitae), Labcorp); PubMed 23176823 (cited by Labcorp Genetics (formerly Invitae), Labcorp); PubMed 23486545 (cited by Labcorp Genetics (formerly Invitae), Labcorp).

NM_015214.3(DDHD2):c.1126-2A>G

Gene: DDHD2 (DDHD domain containing 2; plus strand). Cytogenetic location: 8p11.23.
Variant type: single nucleotide variant.
Coding change: c.1126-2A>G on transcript NM_015214.3 (MANE Select); the canonical splice acceptor site of the intron before coding-DNA position 1126, A replaced by G.
Molecular consequence: splice acceptor variant.
Genome position (GRCh38, 1-based): chr8:38,247,711, A>G. VCF-style: chr8-38247711-A-G. GRCh37 (hg19) VCF-style: chr8-38105229-A-G.
Other names: c.1126-2A>G (NM_001362914.2, NM_001362912.2, NM_001362911.2 and 1 more transcripts); c.1036-2A>G (NM_001362913.2).
Identifiers: ClinVar variation 1696332 (VCV001696332.6), dbSNP rs2130822605, ClinGen allele CA370686081.